The following is an entry in ClinVar:

NM_001005273.3(CHD3):c.4205G>C (p.Arg1402Pro)

Gene: CHD3 (chromodomain helicase DNA binding protein 3; plus strand). Cytogenetic location: 17p13.1.
Variant type: single nucleotide variant.
Coding change: c.4205G>C on transcript NM_001005273.3 (MANE Select); coding-DNA position 4205, G replaced by C.
Protein change: p.Arg1402Pro; replaces arginine 1402 with proline.
Molecular consequence: missense variant.
Genome position (GRCh38, 1-based): chr17:7,905,687, G>C. VCF-style: chr17-7905687-G-C. GRCh37 (hg19) VCF-style: chr17-7809005-G-C.
Other names: c.4382G>C, p.Arg1461Pro (NM_001005271.3, NM_001437504.1); c.4370G>C, p.Arg1457Pro (NM_001437507.1, NM_001437508.1, NM_001437509.1); c.4205G>C, p.Arg1402Pro (NM_005852.4); short protein forms R1402P, R1457P, R1461P.
Identifiers: ClinVar variation 4686231 (VCV004686231.1).

ClinVar aggregate classification (germline): Uncertain significance (1 of 4 stars; one submission).

Submission:

GeneDx
Classification: Uncertain significance. Last evaluated: 2025-07-16. Review status: criteria provided, single submitter. Criteria: GeneDx Variant Classification Process June 2021. Collection method: clinical testing. Allele origin: germline. Affected: yes.
Comment: Not observed at significant frequency in large population cohorts (gnomAD); In silico analysis supports that this missense variant has a deleterious effect on protein structure/function; Has not been previously published as pathogenic or benign to our knowledge